The following is an entry in ClinVar:

NM_003401.5(XRCC4):c.140-2A>G

Gene: XRCC4 (X-ray repair cross complementing 4; plus strand). Cytogenetic location: 5q14.2.
Variant type: single nucleotide variant.
Coding change: c.140-2A>G on transcript NM_003401.5 (MANE Select); the canonical splice acceptor site of the intron before coding-DNA position 140, A replaced by G.
Molecular consequence: splice acceptor variant.
Genome position (GRCh38, 1-based): chr5:83,111,026, A>G. VCF-style: chr5-83111026-A-G. GRCh37 (hg19) VCF-style: chr5-82406845-A-G.
Other names: c.140-2A>G (NM_001318012.3, NM_022550.4, NM_022406.5 and 1 more transcripts).
Identifiers: ClinVar variation 2582370 (VCV002582370.4), dbSNP rs1746416323, ClinGen allele CA360356825.

ClinVar aggregate classification (germline): Likely pathogenic. Review status: criteria provided, multiple submitters, no conflicts (2 of 4 stars). 2 submissions from 2 submitters: Likely pathogenic (2). Last evaluated 2024-01-29.

Conditions:
Short stature, microcephaly, and endocrine dysfunction (SSMED). Identifiers: Orphanet 436182, MedGen C4225288, MONDO:0014686, OMIM 616541.

Allele frequency attached by ClinVar (database versions not stated): TOPMed below 0.00001; gnomAD exomes 0.00001.
gnomAD v4.1: 16 of 1,602,378 alleles (0.001%); highest among the groups gnomAD compares: Non-Finnish European, 0.0014%; no homozygotes.

Submissions (2):

Labcorp Genetics (formerly Invitae), Labcorp
Classification: Likely pathogenic. Last evaluated: 2024-01-29. Review status: criteria provided, single submitter. Criteria: Invitae Variant Classification Sherloc (09022015). Collection method: clinical testing. Allele origin: germline.
Comment: This sequence change affects an acceptor splice site in intron 2 of the XRCC4 gene. It is expected to disrupt RNA splicing. Variants that disrupt the donor or acceptor splice site typically lead to a loss of protein function (PMID: 16199547), and loss-of-function variants in XRCC4 are known to be pathogenic (PMID: 25728776). This variant is not present in population databases (gnomAD no frequency). This variant has not been reported in the literature in individuals affected with XRCC4-related conditions. ClinVar contains an entry for this variant (Variation ID: 2582370). Algorithms developed to predict the effect of sequence changes on RNA splicing suggest that this variant may disrupt the consensus splice site. In summary, the currently available evidence indicates that the variant is pathogenic, but additional data are needed to prove that conclusively. Therefore, this variant has been classified as Likely Pathogenic.

Baylor Genetics
Classification: Likely pathogenic for Short stature, microcephaly, and endocrine dysfunction. Last evaluated: 2023-08-30. Review status: criteria provided, single submitter. Criteria: ACMG Guidelines, 2015. Collection method: clinical testing. Allele origin: unknown.

Literature cited by the submitters: PubMed 16199547 (cited by Labcorp Genetics (formerly Invitae), Labcorp); PubMed 25728776 (cited by Labcorp Genetics (formerly Invitae), Labcorp).